The following is an entry in ClinVar:

ClinVar aggregate classification (germline): Likely benign. Review status: criteria provided, multiple submitters, no conflicts (2 of 4 stars). 2 submissions from 2 submitters: Likely benign (2). Last evaluated 2025-12-16.

Conditions:
Wilms tumor 1 (WT1). Also called: Wilms tumor, somatic. Identifiers: Orphanet 654, MedGen CN033288, MONDO:0008679, OMIM 194070.
11p partial monosomy syndrome (WAGR). Also called: CHROMOSOME 11p13 DELETION SYNDROME; WAGR syndrome; WAGR Spectrum Disorder; WAGR Complex. Identifiers: Orphanet 893, MedGen C0206115, MONDO:0008681, OMIM 194072.
Drash syndrome (DDS). Also called: NEPHROPATHY, WILMS TUMOR, AND GENITAL ANOMALIES; WILMS TUMOR AND PSEUDO- OR TRUE HERMAPHRODITISM. Identifiers: Orphanet 220, MedGen C0950121, MONDO:0008682, OMIM 194080.
Frasier syndrome. Identifiers: Orphanet 347, MedGen C0950122, MeSH D052159, MONDO:0007635, OMIM 136680.

Allele frequency attached by ClinVar (database versions not stated): 1000 Genomes Project 30x 0.00016.
gnomAD v4.1: 1 of 1,597,140 alleles (0.000063%); highest among the groups gnomAD compares: East Asian, 0.0023%; no homozygotes.

Submissions (2):

Labcorp Genetics (formerly Invitae), Labcorp
Classification: Likely benign for Wilms tumor 1; Drash syndrome; 11p partial monosomy syndrome; Frasier syndrome. Last evaluated: 2025-12-16. Review status: criteria provided, single submitter. Criteria: Invitae Variant Classification Sherloc (09022015). Collection method: clinical testing. Allele origin: germline.

All of Us Research Program, National Institutes of Health
Classification: Likely benign for Wilms tumor 1. Last evaluated: 2023-04-10. Review status: criteria provided, single submitter. Criteria: ACMG Guidelines, 2015. Collection method: clinical testing. Allele origin: germline. Inheritance: Autosomal dominant inheritance. Observed: 1 variant allele, 1 heterozygote.
Comment: This study involves interpretation of variants in research participants for the purpose of population health screening. Participant phenotype was not available at the time of variant classification. Additional details can be found in publication PMID: 35346344, PMCID: PMC8962531

NM_024426.6(WT1):c.429C>T (p.Ser143=)

Genes: WT1 (WT1 transcription factor; minus strand), LOC107982234 (WT1/WT1-AS bi-directional promoter region; plus strand). Cytogenetic location: 11p13.
Variant type: single nucleotide variant.
Coding change: c.429C>T on transcript NM_024426.6 (MANE Select); coding-DNA position 429, C replaced by T.
Protein change: p.Ser143=; no amino-acid change (serine 143 retained).
Molecular consequence: synonymous variant. On other transcripts: non-coding transcript variant (1).
Genome position (GRCh38, 1-based): chr11:32,434,932, G>A on the plus strand (C>T on the coding strand, the complement: WT1 is on the minus strand). VCF-style: chr11-32434932-G-A. GRCh37 (hg19) VCF-style: chr11-32456478-G-A.
Other names: c.429C>T, p.Ser143= (NM_000378.6, NM_024424.5).
Identifiers: ClinVar variation 1091048 (VCV001091048.10), dbSNP rs531076591, ClinGen allele CA473773556.